The following is an entry in ClinVar:

ClinVar aggregate classification (germline): Uncertain significance (1 of 4 stars; one submission).

Conditions:
SH2B1-related disorder. Also called: SH2B1-related condition.

gnomAD v4.1: 25 of 1,598,456 alleles (0.0016%); highest among the groups gnomAD compares: Admixed American, 0.0069%; no homozygotes.

Submission:

PreventionGenetics, part of Exact Sciences
Classification: Uncertain significance for SH2B1-related condition. Last evaluated: 2026-05-03. Review status: criteria provided, single submitter. Criteria: ACMG Guidelines, 2015. Collection method: clinical testing. Allele origin: germline.
Comment: The SH2B1 c.1985C>T variant is predicted to result in the amino acid substitution p.Ala662Val. To our knowledge, this variant has not been reported in the literature. This variant is reported in 0.0090% of alleles in individuals of Latino descent in gnomAD. At this time, the clinical significance of this variant is uncertain due to the absence of conclusive functional and genetic evidence.

NM_001387430.1(SH2B1):c.1898-243C>T

Gene: SH2B1 (SH2B adaptor protein 1; plus strand). Cytogenetic location: 16p11.2.
Variant type: single nucleotide variant.
Coding change: c.1898-243C>T on transcript NM_001387430.1 (MANE Select); 243 bases into the intron before coding-DNA position 1898, C replaced by T.
Molecular consequence: intron variant. On other transcripts: synonymous variant (4), missense variant (1).
Genome position (GRCh38, 1-based): chr16:28,873,204, C>T. VCF-style: chr16-28873204-C-T. GRCh37 (hg19) VCF-style: chr16-28884525-C-T.
Other names: c.1932C>T, p.Cys644= (NM_001145796.2, NM_001145812.2, NM_015503.3); c.1985C>T, p.Ala662Val (NM_001145797.2); c.924C>T, p.Cys308= (NM_001308294.2); c.1898-243C>T (NM_001308293.2, NM_001387404.1, NM_001145795.2); short protein forms A662V.
Identifiers: ClinVar variation 4989551 (VCV004989551.1).